The following is an entry in ClinVar:

ClinVar aggregate classification (germline): Pathogenic (0 of 4 stars; one submission).

Conditions:
X-linked ichthyosis with steryl-sulfatase deficiency (XLI). Also called: PLACENTAL STEROID SULFATASE DEFICIENCY; STEROID SULFATASE DEFICIENCY; STEROID SULFATASE DEFICIENCY DISEASE; STS DEFICIENCY; Ichthyosis, X-Linked; Recessive X-linked ichthyosis. Identifiers: Orphanet 461, MedGen C0079588, MONDO:0010622, OMIM 308100.

Submission:

Human Molecular Genetics Lab, Quaid-I-Azam University
Classification: Pathogenic for X-linked ichthyosis with steryl-sulfatase deficiency. Last evaluated: 2015-01-16. Review status: no assertion criteria provided. Collection method: research. Allele origin: maternal. Inheritance: X-linked inheritance. Affected: yes. Observed: 3 variant alleles. Study: Genetic Skin Disorders Investigation in Pakistan.
Comment: The characteristic sex-linked segregation of phenotype and concomitant finding of recurrent microdeletions at Xp22.31 in this report as well as in previous findings strongly suggest the clinical significance of these microdeletions in X-linked icthyosis

Literature cited by the submitters: PubMed 18413370; PubMed 3007328; PubMed 7208152.

NC_000023.11:g.(6674278_6675309)_(7911900_7922037)del

Genes: MIR4767 (microRNA 4767; plus strand), PNPLA4 (patatin like domain 4, phospholipase and triacylglycerol lipase; minus strand), PUDP (pseudouridine 5'-phosphatase; minus strand), STS (steroid sulfatase; plus strand), VCX (variable charge X-linked; plus strand) and 14 more. Cytogenetic location: Xp22.31.
Variant type: Deletion.
Identifiers: ClinVar variation 188049 (VCV000188049.3).